The following is an entry in ClinVar:

NM_015512.5(DNAH1):c.8434C>T (p.His2812Tyr)

Gene: DNAH1 (dynein axonemal heavy chain 1; plus strand). Cytogenetic location: 3p21.1.
Variant type: single nucleotide variant.
Coding change: c.8434C>T on transcript NM_015512.5 (MANE Select); coding-DNA position 8434, C replaced by T.
Protein change: p.His2812Tyr; replaces histidine 2812 with tyrosine.
Molecular consequence: missense variant.
Genome position (GRCh38, 1-based): chr3:52,384,897, C>T. VCF-style: chr3-52384897-C-T. GRCh37 (hg19) VCF-style: chr3-52418913-C-T.
Other names: c.8434C>T (NM_015512.4); short protein forms H2812Y.
Identifiers: ClinVar variation 1375662 (VCV001375662.6), dbSNP rs374543995, ClinGen allele CA2435204.

ClinVar aggregate classification (germline): Uncertain significance. Review status: criteria provided, multiple submitters, no conflicts (2 of 4 stars). 2 submissions from 2 submitters: Uncertain significance (2). Last evaluated 2023-03-16.

Conditions:
DNAH1-related disorder. Also called: DNAH1-related condition.
Spermatogenic failure 18. Identifiers: MedGen C4539783, MONDO:0054615, OMIM 617576.
Ciliary dyskinesia, primary, 37 (CILD37). Also called: CILIARY DYSKINESIA, PRIMARY, 37, WITH OR WITHOUT SITUS INVERSUS. Identifiers: MedGen C4539798, MONDO:0033204, OMIM 617577.

Allele frequency attached by ClinVar (database versions not stated): gnomAD exomes below 0.00001 and 0.00002; ExAC 0.00001; TOPMed 0.00004; gnomAD 0.00005; ESP Exome Variant Server 0.00008.
gnomAD v4.1: 45 of 1,613,528 alleles (0.0028%); highest among the groups gnomAD compares: Non-Finnish European, 0.0036%; no homozygotes.

Submissions (2):

PreventionGenetics, part of Exact Sciences
Classification: Uncertain significance for DNAH1-related condition. Last evaluated: 2023-03-16. Review status: criteria provided, single submitter. Criteria: ACMG Guidelines, 2015. Collection method: clinical testing. Allele origin: germline.
Comment: The DNAH1 c.8434C>T variant is predicted to result in the amino acid substitution p.His2812Tyr. To our knowledge, this variant has not been reported in the literature. This variant is reported in 0.0023% of alleles in individuals of European (Non-Finnish) descent in gnomAD. At this time, the clinical significance of this variant is uncertain due to the absence of conclusive functional and genetic evidence.

Labcorp Genetics (formerly Invitae), Labcorp
Classification: Uncertain significance for Ciliary dyskinesia, primary, 37; Spermatogenic failure 18. Last evaluated: 2022-01-16. Review status: criteria provided, single submitter. Criteria: Invitae Variant Classification Sherloc (09022015). Collection method: clinical testing. Allele origin: germline.
Comment: This sequence change replaces histidine, which is basic and polar, with tyrosine, which is neutral and polar, at codon 2812 of the DNAH1 protein (p.His2812Tyr). This variant is present in population databases (rs374543995, gnomAD 0.002%). This variant has not been reported in the literature in individuals affected with DNAH1-related conditions. Algorithms developed to predict the effect of missense changes on protein structure and function are either unavailable or do not agree on the potential impact of this missense change (SIFT: "Deleterious"; PolyPhen-2: "Benign"; Align-GVGD: "Class C0"). In summary, the available evidence is currently insufficient to determine the role of this variant in disease. Therefore, it has been classified as a Variant of Uncertain Significance.